The following is an entry in ClinVar:

NM_152383.5(DIS3L2):c.127C>G (p.Arg43Gly)

Gene: DIS3L2 (DIS3 like 3'-5' exoribonuclease 2; plus strand). Cytogenetic location: 2q37.1.
Variant type: single nucleotide variant.
Coding change: c.127C>G on transcript NM_152383.5 (MANE Select); coding-DNA position 127, C replaced by G.
Protein change: p.Arg43Gly; replaces arginine 43 with glycine.
Molecular consequence: missense variant. On other transcripts: non-coding transcript variant (2).
Genome position (GRCh38, 1-based): chr2:232,015,588, C>G. VCF-style: chr2-232015588-C-G. GRCh37 (hg19) VCF-style: chr2-232880298-C-G.
Other names: c.127C>G, p.Arg43Gly (NM_001257281.2, NM_001257282.2); short protein forms R43G.
Identifiers: ClinVar variation 949680 (VCV000949680.9), dbSNP rs762653147, ClinGen allele CA351151956.

ClinVar aggregate classification (germline): Uncertain significance (1 of 4 stars; one submission).

Conditions:
Perlman syndrome (PRLMNS). Identifiers: Orphanet 2849, MedGen C0796113, MONDO:0009965, OMIM 267000.

Submission:

Labcorp Genetics (formerly Invitae), Labcorp
Classification: Uncertain significance for Perlman syndrome. Last evaluated: 2019-08-13. Review status: criteria provided, single submitter. Criteria: Invitae Variant Classification Sherloc (09022015). Collection method: clinical testing. Allele origin: germline.
Comment: This sequence change replaces arginine with glycine at codon 43 of the DIS3L2 protein (p.Arg43Gly). The arginine residue is weakly conserved and there is a moderate physicochemical difference between arginine and glycine. This variant is not present in population databases (ExAC no frequency). This variant has not been reported in the literature in individuals with DIS3L2-related conditions. Algorithms developed to predict the effect of missense changes on protein structure and function (SIFT, PolyPhen-2, Align-GVGD) all suggest that this variant is likely to be tolerated, but these predictions have not been confirmed by published functional studies and their clinical significance is uncertain. In summary, the available evidence is currently insufficient to determine the role of this variant in disease. Therefore, it has been classified as a Variant of Uncertain Significance.